The following is an entry in ClinVar:

NM_000136.3(FANCC):c.712G>A (p.Ala238Thr)

Genes: AOPEP (aminopeptidase O (putative); plus strand), FANCC (FA complementation group C; minus strand). Cytogenetic location: 9q22.32.
Variant type: single nucleotide variant.
Coding change: c.712G>A on transcript NM_000136.3 (MANE Select); coding-DNA position 712, G replaced by A.
Protein change: p.Ala238Thr; replaces alanine 238 with threonine.
Molecular consequence: missense variant.
Genome position (GRCh38, 1-based): chr9:95,135,477, C>T on the plus strand (G>A on the coding strand, the complement: FANCC is on the minus strand). VCF-style: chr9-95135477-C-T. GRCh37 (hg19) VCF-style: chr9-97897759-C-T.
Other names: c.712G>A, p.Ala238Thr (NM_001243743.2, NM_001243744.2); short protein forms A238T.
Identifiers: ClinVar variation 4870965 (VCV004870965.1).

ClinVar aggregate classification (germline): Uncertain significance (1 of 4 stars; one submission).

Conditions:
Hereditary cancer-predisposing syndrome. Also called: Neoplastic Syndromes, Hereditary; Hereditary Cancer Syndrome; Hereditary neoplastic syndrome; Tumor predisposition. Identifiers: Orphanet 140162, MedGen C0027672, MeSH D009386, MONDO:0015356.

Submission:

Ambry Genetics
Classification: Uncertain significance for Hereditary cancer-predisposing syndrome. Last evaluated: 2026-06-02. Review status: criteria provided, single submitter. Criteria: Ambry Variant Classification Scheme 2023. Collection method: clinical testing. Allele origin: germline.
Comment: The p.A238T variant (also known as c.712G>A), located in coding exon 7 of the FANCC gene, results from a G to A substitution at nucleotide position 712. The alanine at codon 238 is replaced by threonine, an amino acid with similar properties. This amino acid position is conserved. In addition, this alteration is predicted to be tolerated by in silico analysis. Based on the available evidence, the clinical significance of this variant remains unclear.